The following is an entry in ClinVar:

NM_001844.5(COL2A1):c.3530C>G (p.Ala1177Gly)

Gene: COL2A1 (collagen type II alpha 1 chain; minus strand). Cytogenetic location: 12q13.11.
Variant type: single nucleotide variant.
Coding change: c.3530C>G on transcript NM_001844.5 (MANE Select); coding-DNA position 3530, C replaced by G.
Protein change: p.Ala1177Gly; replaces alanine 1177 with glycine.
Molecular consequence: missense variant.
Genome position (GRCh38, 1-based): chr12:47,976,030, G>C on the plus strand (C>G on the coding strand, the complement: COL2A1 is on the minus strand). VCF-style: chr12-47976030-G-C. GRCh37 (hg19) VCF-style: chr12-48369813-G-C.
Other names: c.3323C>G, p.Ala1108Gly (NM_033150.3); short protein forms A1108G, A1177G.
Identifiers: ClinVar variation 3668572 (VCV003668572.2).

ClinVar aggregate classification (germline): Uncertain significance (1 of 4 stars; one submission).

Submission:

Labcorp Genetics (formerly Invitae), Labcorp
Classification: Uncertain significance. Last evaluated: 2024-09-30. Review status: criteria provided, single submitter. Criteria: Invitae Variant Classification Sherloc (09022015). Collection method: clinical testing. Allele origin: germline.
Comment: This sequence change replaces alanine, which is neutral and non-polar, with glycine, which is neutral and non-polar, at codon 1177 of the COL2A1 protein (p.Ala1177Gly). This variant is not present in population databases (gnomAD no frequency). This variant has not been reported in the literature in individuals affected with COL2A1-related conditions. Invitae Evidence Modeling of protein sequence and biophysical properties (such as structural, functional, and spatial information, amino acid conservation, physicochemical variation, residue mobility, and thermodynamic stability) indicates that this missense variant is not expected to disrupt COL2A1 protein function with a negative predictive value of 95%. In summary, the available evidence is currently insufficient to determine the role of this variant in disease. Therefore, it has been classified as a Variant of Uncertain Significance.